The following is an entry in ClinVar:

ClinVar aggregate classification (germline): Uncertain significance (1 of 4 stars; one submission).

Submission:

Labcorp Genetics (formerly Invitae), Labcorp
Classification: Uncertain significance. Last evaluated: 2023-05-09. Review status: criteria provided, single submitter. Criteria: Invitae Variant Classification Sherloc (09022015). Collection method: clinical testing. Allele origin: germline.
Comment: This variant has not been reported in the literature in individuals affected with PLTP-related conditions. This variant is not present in population databases (gnomAD no frequency). This sequence change replaces isoleucine, which is neutral and non-polar, with serine, which is neutral and polar, at codon 344 of the PLTP protein (p.Ile344Ser). An algorithm developed to predict the effect of missense changes on protein structure and function (PolyPhen-2) suggests that this variant is likely to be disruptive. In summary, the available evidence is currently insufficient to determine the role of this variant in disease. Therefore, it has been classified as a Variant of Uncertain Significance.

NM_006227.4(PLTP):c.1031T>G (p.Ile344Ser)

Gene: PLTP (phospholipid transfer protein; minus strand). Cytogenetic location: 20q13.12.
Variant type: single nucleotide variant.
Coding change: c.1031T>G on transcript NM_006227.4 (MANE Select); coding-DNA position 1031, T replaced by G.
Protein change: p.Ile344Ser; replaces isoleucine 344 with serine.
Molecular consequence: missense variant.
Genome position (GRCh38, 1-based): chr20:45,902,516, A>C on the plus strand (T>G on the coding strand, the complement: PLTP is on the minus strand). VCF-style: chr20-45902516-A-C. GRCh37 (hg19) VCF-style: chr20-44531155-A-C.
Other names: c.746T>G, p.Ile249Ser (NM_001242920.2); c.767T>G, p.Ile256Ser (NM_001242921.1); c.875T>G, p.Ile292Ser (NM_182676.3); short protein forms I249S, I292S, I344S, I256S.
Identifiers: ClinVar variation 3011376 (VCV003011376.3), dbSNP rs2515460246, ClinGen allele CA409191571.